The following is an entry in ClinVar:

NM_000548.5(TSC2):c.5225C>T (p.Ala1742Val)

Gene: TSC2 (TSC complex subunit 2; plus strand). Cytogenetic location: 16p13.3.
Variant type: single nucleotide variant.
Coding change: c.5225C>T on transcript NM_000548.5 (MANE Select); coding-DNA position 5225, C replaced by T.
Protein change: p.Ala1742Val; replaces alanine 1742 with valine.
Molecular consequence: missense variant.
Genome position (GRCh38, 1-based): chr16:2,088,291, C>T. VCF-style: chr16-2088291-C-T. GRCh37 (hg19) VCF-style: chr16-2138292-C-T.
Other names: c.5024C>T, p.Ala1675Val (NM_001077183.3); c.5156C>T, p.Ala1719Val (NM_001114382.3); c.4916C>T, p.Ala1639Val (NM_001318827.2); c.4880C>T, p.Ala1627Val (NM_001318829.2); c.4493C>T, p.Ala1498Val (NM_001318831.2); c.5057C>T, p.Ala1686Val (NM_001318832.2); c.5027C>T, p.Ala1676Val (NM_001363528.2); c.5093C>T, p.Ala1698Val (NM_001370404.1); and 2 more; short protein forms A1498V, A1698V, A1719V, A1742V, A1675V, A1695V, A1627V, A1686V.
Identifiers: ClinVar variation 1503018 (VCV001503018.9), dbSNP rs1369101862, ClinGen allele CA394314530.
Genomic context (GRCh38, chr16:2,088,291, plus strand): 5'-CCTCACAGGTGCATCATAGCCGCTCCAACCCCACCGATATCTACCCCTCCAAGTGGATTG[C>T]CCGGCTCCGCCACATCAAGCGGCTCCGCCAGCGGGTAGGGAATATGGGGCTCCCTCAGCG-3'
Protein context (NP_000539.2, residues 1732-1752): PTDIYPSKWI[Ala1742Val]RLRHIKRLRQ

ClinVar aggregate classification (germline): Uncertain significance. Review status: criteria provided, multiple submitters, no conflicts (2 of 4 stars). 3 submissions from 3 submitters: Uncertain significance (3). Last evaluated 2025-08-20.

Conditions:
Tuberous sclerosis 2 (TSC2). Identifiers: Orphanet 805, MedGen C1860707, MONDO:0013199, OMIM 613254.
Hereditary cancer-predisposing syndrome. Also called: Tumor predisposition; Hereditary neoplastic syndrome; Neoplastic Syndromes, Hereditary; Hereditary Cancer Syndrome. Identifiers: Orphanet 140162, MedGen C0027672, MeSH D009386, MONDO:0015356.

Submissions (3):

Labcorp Genetics (formerly Invitae), Labcorp
Classification: Uncertain significance for Tuberous sclerosis 2. Last evaluated: 2025-08-20. Review status: criteria provided, single submitter. Criteria: Invitae Variant Classification Sherloc (09022015). Collection method: clinical testing. Allele origin: germline.
Comment: This sequence change replaces alanine, which is neutral and non-polar, with valine, which is neutral and non-polar, at codon 1742 of the TSC2 protein (p.Ala1742Val). This variant is not present in population databases (gnomAD no frequency). This variant has not been reported in the literature in individuals affected with TSC2-related conditions. ClinVar contains an entry for this variant (Variation ID: 1503018). Invitae Evidence Modeling of protein sequence and biophysical properties (such as structural, functional, and spatial information, amino acid conservation, physicochemical variation, residue mobility, and thermodynamic stability) indicates that this missense variant is not expected to disrupt TSC2 protein function with a negative predictive value of 95%. In summary, the available evidence is currently insufficient to determine the role of this variant in disease. Therefore, it has been classified as a Variant of Uncertain Significance.

GeneDx
Classification: Uncertain significance. Last evaluated: 2023-11-27. Review status: criteria provided, single submitter. Criteria: GeneDx Variant Classification Process June 2021. Collection method: clinical testing. Allele origin: germline. Affected: yes.
Comment: Not observed at significant frequency in large population cohorts (gnomAD); In silico analysis supports that this missense variant does not alter protein structure/function; Has not been previously published as pathogenic or benign to our knowledge

Ambry Genetics
Classification: Uncertain significance for Hereditary cancer-predisposing syndrome. Last evaluated: 2020-11-23. Review status: criteria provided, single submitter. Criteria: Ambry Variant Classification Scheme 2023. Collection method: clinical testing. Allele origin: germline.
Comment: The p.A1742V variant (also known as c.5225C>T), located in coding exon 40 of the TSC2 gene, results from a C to T substitution at nucleotide position 5225. The alanine at codon 1742 is replaced by valine, an amino acid with similar properties. This amino acid position is highly conserved in available vertebrate species. In addition, this alteration is predicted to be deleterious by in silico analysis. Since supporting evidence is limited at this time, the clinical significance of this alteration remains unclear.